The following is an entry in ClinVar:

NM_006348.5(COG5):c.2219G>A (p.Gly740Glu)

Gene: COG5 (component of oligomeric golgi complex 5; minus strand). Cytogenetic location: 7q22.3.
Variant type: single nucleotide variant.
Coding change: c.2219G>A on transcript NM_006348.5 (MANE Select); coding-DNA position 2219, G replaced by A.
Protein change: p.Gly740Glu; replaces glycine 740 with glutamic acid.
Molecular consequence: missense variant. On other transcripts: intron variant (1).
Genome position (GRCh38, 1-based): chr7:107,211,175, C>T on the plus strand (G>A on the coding strand, the complement: COG5 is on the minus strand). VCF-style: chr7-107211175-C-T. GRCh37 (hg19) VCF-style: chr7-106851620-C-T.
Other names: c.2219G>A, p.Gly740Glu (NM_001161520.2); c.2057G>A, p.Gly686Glu (NM_001379511.1); c.2045G>A, p.Gly682Glu (NM_001379512.1); c.1904G>A, p.Gly635Glu (NM_001379514.1); c.1649G>A, p.Gly550Glu (NM_001379515.1); c.1505G>A, p.Gly502Glu (NM_001379516.1); c.2156G>A, p.Gly719Glu (NM_181733.4); c.2169-7545G>A (NM_001379513.1); short protein forms G682E, G502E, G719E, G550E, G635E, G686E, G740E.
Identifiers: ClinVar variation 1976126 (VCV001976126.5), dbSNP rs2535759437, ClinGen allele CA368839914.

ClinVar aggregate classification (germline): Uncertain significance (1 of 4 stars; one submission).

Conditions:
COG5-congenital disorder of glycosylation. Also called: CONGENITAL DISORDER OF GLYCOSYLATION, TYPE IIi; CDG IIi; COG5-CDG. Identifiers: Orphanet 263487, MedGen C3150876, MONDO:0013325, OMIM 613612.

Submission:

Labcorp Genetics (formerly Invitae), Labcorp
Classification: Uncertain significance for COG5-congenital disorder of glycosylation. Last evaluated: 2022-06-11. Review status: criteria provided, single submitter. Criteria: Invitae Variant Classification Sherloc (09022015). Collection method: clinical testing. Allele origin: germline.
Comment: In summary, the available evidence is currently insufficient to determine the role of this variant in disease. Therefore, it has been classified as a Variant of Uncertain Significance. Algorithms developed to predict the effect of missense changes on protein structure and function are either unavailable or do not agree on the potential impact of this missense change (SIFT: "Tolerated"; PolyPhen-2: "Probably Damaging"; Align-GVGD: "Class C0"). This variant has not been reported in the literature in individuals affected with COG5-related conditions. This variant is not present in population databases (gnomAD no frequency). This sequence change replaces glycine, which is neutral and non-polar, with glutamic acid, which is acidic and polar, at codon 771 of the COG5 protein (p.Gly771Glu).